The following is an entry in ClinVar:

NM_030973.4(MED25):c.1801G>A (p.Ala601Thr)

Gene: MED25 (mediator complex subunit 25; plus strand). Cytogenetic location: 19q13.33.
Variant type: single nucleotide variant.
Coding change: c.1801G>A on transcript NM_030973.4 (MANE Select); coding-DNA position 1801, G replaced by A.
Protein change: p.Ala601Thr; replaces alanine 601 with threonine.
Molecular consequence: missense variant.
Genome position (GRCh38, 1-based): chr19:49,835,781, G>A. VCF-style: chr19-49835781-G-A. GRCh37 (hg19) VCF-style: chr19-50339038-G-A.
Other names: c.1801G>A, p.Ala601Thr (NM_001378355.1); short protein forms A601T.
Identifiers: ClinVar variation 1388212 (VCV001388212.5), dbSNP rs767338688, ClinGen allele CA9585387.

ClinVar aggregate classification (germline): Uncertain significance (1 of 4 stars; one submission).

Conditions:
Charcot-Marie-Tooth disease type 2. Also called: Charcot-Marie-Tooth type 2. Identifiers: Orphanet 64746, MedGen C0270914, MONDO:0018993.

Allele frequency attached by ClinVar (database versions not stated): gnomAD exomes 0.00004 and 0.00012; gnomAD 0.00007 and 0.00008; ExAC 0.00006.
gnomAD v4.1: 73 of 1,608,652 alleles (0.0045%); highest among the groups gnomAD compares: Non-Finnish European, 0.00025%; no homozygotes.

Submission:

Labcorp Genetics (formerly Invitae), Labcorp
Classification: Uncertain significance for Charcot-Marie-Tooth disease type 2. Last evaluated: 2022-04-25. Review status: criteria provided, single submitter. Criteria: Invitae Variant Classification Sherloc (09022015). Collection method: clinical testing. Allele origin: germline.
Comment: This sequence change replaces alanine, which is neutral and non-polar, with threonine, which is neutral and polar, at codon 601 of the MED25 protein (p.Ala601Thr). This variant is present in population databases (rs767338688, gnomAD 0.1%). This variant has not been reported in the literature in individuals affected with MED25-related conditions. Algorithms developed to predict the effect of missense changes on protein structure and function output the following: SIFT: "Deleterious"; PolyPhen-2: "Benign"; Align-GVGD: "Class C0". The threonine amino acid residue is found in multiple mammalian species, which suggests that this missense change does not adversely affect protein function. In summary, the available evidence is currently insufficient to determine the role of this variant in disease. Therefore, it has been classified as a Variant of Uncertain Significance.